The following is an entry in ClinVar:

ClinVar aggregate classification (germline): Uncertain significance (1 of 4 stars; one submission).

Allele frequency attached by ClinVar (database versions not stated): gnomAD exomes below 0.00001.
gnomAD v4.1: 1 of 1,614,030 alleles (0.000062%); highest among the groups gnomAD compares: East Asian, 0.0022%; no homozygotes.

Submission:

Labcorp Genetics (formerly Invitae), Labcorp
Classification: Uncertain significance. Last evaluated: 2022-02-13. Review status: criteria provided, single submitter. Criteria: Invitae Variant Classification Sherloc (09022015). Collection method: clinical testing. Allele origin: germline.
Comment: This sequence change replaces leucine, which is neutral and non-polar, with proline, which is neutral and non-polar, at codon 522 of the HPS1 protein (p.Leu522Pro). This variant is not present in population databases (gnomAD no frequency). This variant has not been reported in the literature in individuals affected with HPS1-related conditions. Algorithms developed to predict the effect of missense changes on protein structure and function are either unavailable or do not agree on the potential impact of this missense change (SIFT: "Deleterious"; PolyPhen-2: "Probably Damaging"; Align-GVGD: "Class C0"). In summary, the available evidence is currently insufficient to determine the role of this variant in disease. Therefore, it has been classified as a Variant of Uncertain Significance.

NM_000195.5(HPS1):c.1565T>C (p.Leu522Pro)

Gene: HPS1 (HPS1 biogenesis of lysosomal organelles complex 3 subunit 1; minus strand). Cytogenetic location: 10q24.2.
Variant type: single nucleotide variant.
Coding change: c.1565T>C on transcript NM_000195.5 (MANE Select); coding-DNA position 1565, T replaced by C.
Protein change: p.Leu522Pro; replaces leucine 522 with proline.
Molecular consequence: missense variant.
Genome position (GRCh38, 1-based): chr10:98,423,636, A>G on the plus strand (T>C on the coding strand, the complement: HPS1 is on the minus strand). VCF-style: chr10-98423636-A-G. GRCh37 (hg19) VCF-style: chr10-100183393-A-G.
Other names: c.593T>C, p.Leu198Pro (NM_001311345.2, NM_001322487.2, NM_001322489.2); c.1565T>C, p.Leu522Pro (NM_001322476.2, NM_001322477.2); c.1466T>C, p.Leu489Pro (NM_001322478.2, NM_001322479.2); c.1304T>C, p.Leu435Pro (NM_001322480.2, NM_001322481.2); c.1205T>C, p.Leu402Pro (NM_001322482.2); c.1196T>C, p.Leu399Pro (NM_001322483.2, NM_001322484.2); c.1097T>C, p.Leu366Pro (NM_001322485.2); short protein forms L435P, L522P, L399P, L402P, L366P, L489P, L198P.
Identifiers: ClinVar variation 1980087 (VCV001980087.1), dbSNP rs2538807036, ClinGen allele CA378045113.
Genomic context (GRCh38, chr10:98,423,636, plus strand): 5'-CTGGCTGGGGCCCCGGCGTCAGGATATGACACCATGGTGATGTTCCTCCTGCTCTTCACC[A>G]GCAAGAAGTCCTTCCAGTCCGTCAGCTTCTCCCTGCCGAGGGAAGCTCGGGCTGCGTGAA-3'
Protein context (NP_000186.2, residues 512-532): EKLTDWKDFL[Leu522Pro]VKSRRNITMV